The following is an entry in ClinVar:

ClinVar aggregate classification (germline): Likely pathogenic. Review status: criteria provided, multiple submitters, no conflicts (2 of 4 stars). 3 submissions from 2 submitters: Likely pathogenic (3). Last evaluated 2025-09-10.

Conditions:
Heart defects, congenital, and other congenital anomalies. Also called: PANCREATIC HYPOPLASIA, CONGENITAL, WITH DIABETES MELLITUS AND CONGENITAL HEART DISEASE; Pancreatic hypoplasia-diabetes-congenital heart disease syndrome. Identifiers: Orphanet 2255, MedGen C2931296, MONDO:0010802, OMIM 600001.
Very long chain acyl-CoA dehydrogenase deficiency (ACADVLD). Also called: VLCAD Deficiency; Very Long-Chain Acyl-Coenzyme A Dehydrogenase Deficiency. Identifiers: Orphanet 26793, MedGen C3887523, MONDO:0008723, OMIM 201475.

Allele frequency attached by ClinVar (database versions not stated): gnomAD exomes 0.00001; ExAC 0.00001.
gnomAD v4.1: 3 of 1,603,378 alleles (0.00019%); highest among the groups gnomAD compares: Admixed American, 0.005%; no homozygotes.

Submissions (3):

Genomic Medicine Center of Excellence, King Faisal Specialist Hospital and Research Centre
Classification: Likely pathogenic for Very long chain acyl-CoA dehydrogenase deficiency. Last evaluated: 2025-09-10. Review status: criteria provided, single submitter. Criteria: ACMG Guidelines, 2015. Collection method: clinical testing. Allele origin: germline.

Genomic Medicine Center of Excellence, King Faisal Specialist Hospital and Research Centre
Classification: Likely pathogenic for Heart defects, congenital, and other congenital anomalies. Last evaluated: 2024-12-17. Review status: criteria provided, single submitter. Criteria: ACMG Guidelines, 2015. Collection method: clinical testing. Allele origin: germline.

ARUP Laboratories, Molecular Genetics and Genomics, ARUP Laboratories
Classification: Likely pathogenic for Very long chain acyl-CoA dehydrogenase deficiency. Last evaluated: 2023-10-18. Review status: criteria provided, single submitter. Criteria: ARUP Molecular Germline Variant Investigation Process 2024. Collection method: clinical testing. Allele origin: germline.
Comment: The ACADVL c.62G>A; This variant is found in the Latino population with an allele frequency of 0.009% (3/33808 alleles) in the Genome Aggregation Database. This is a missense variant located at the last nucleotide on exon 1, and computational analyses (Alamut v.2.11) predict that this variant may impact splicing by weakening the nearby canonical donor splice site. Based on available information, this variant is considered to be likely pathogenic.

NM_000018.4(ACADVL):c.62G>A (p.Ser21Asn)

Genes: ACADVL (acyl-CoA dehydrogenase very long chain; plus strand), DLG4 (discs large MAGUK scaffold protein 4; minus strand). Cytogenetic location: 17p13.1.
Variant type: single nucleotide variant.
Coding change: c.62G>A on transcript NM_000018.4 (MANE Select); coding-DNA position 62, G replaced by A.
Protein change: p.Ser21Asn; replaces serine 21 with asparagine.
Molecular consequence: missense variant. On other transcripts: 5 prime UTR variant (2), non-coding transcript variant (1), intron variant (1).
Genome position (GRCh38, 1-based): chr17:7,220,046, G>A. VCF-style: chr17-7220046-G-A. GRCh37 (hg19) VCF-style: chr17-7123365-G-A.
Other names: c.-1197C>T (NM_001321074.1); c.62G>A, p.Ser21Asn (NM_001033859.3); c.-242G>A (NM_001270448.2); c.132-76G>A (NM_001270447.2); short protein forms S21N.
Identifiers: ClinVar variation 1330945 (VCV001330945.9), dbSNP rs753922855, ClinGen allele CA8337521.